The following is an entry in ClinVar:

ClinVar aggregate classification (germline): Pathogenic. Review status: criteria provided, multiple submitters, no conflicts (2 of 4 stars). 3 submissions from 3 submitters: Pathogenic (3). Last evaluated 2025-05-15.

Conditions:
Hereditary breast ovarian cancer syndrome. Also called: Hereditary breast and ovarian cancer syndrome; Hereditary breast and ovarian cancer; Hereditary breast and ovarian cancer syndrome (HBOC); Breast and ovarian cancer; Hereditary breast and/or ovarian cancer syndrome; BRCA1- and BRCA2-Associated Hereditary Breast and Ovarian Cancer. Identifiers: Orphanet 145, MedGen C0677776, MeSH D061325, MONDO:0003582. Disease mechanism: loss of function.
Wilms tumor 1 (WT1). Also called: Wilms tumor, somatic. Identifiers: Orphanet 654, MedGen CN033288, MONDO:0008679, OMIM 194070.
Familial prostate cancer. Also called: Hereditary Prostate Cancer. Identifiers: MedGen C2931456, MONDO:0700275, OMIM 176807.
Familial cancer of breast. Also called: BREAST CANCER, FAMILIAL; Hereditary breast cancer; hereditary breast carcinoma. Identifiers: Orphanet 227535, MedGen C0346153, MONDO:0016419, OMIM 114480. Disease mechanism: loss of function.
Breast-ovarian cancer, familial, susceptibility to, 2 (BROVCA2). Also called: BRCA2 Hereditary Breast and Ovarian Cancer. Identifiers: Orphanet 145, MedGen C2675520, MONDO:0012933, OMIM 612555. Disease mechanism: loss of function.
Glioma susceptibility 3 (GLM3). Also called: Glioblastoma 3. Identifiers: Orphanet 182067, Orphanet 360, MedGen C2751641, MONDO:0013093, OMIM 613029.
Medulloblastoma (MDB). Also called: Medulloblastoma, somatic; MEDULLOBLASTOMA PREDISPOSITION SYNDROME. Identifiers: Orphanet 616, MedGen C0025149, MeSH D008527, MONDO:0007959, OMIM 155255, HP:0002885.
Pancreatic cancer, susceptibility to, 2. Identifiers: Orphanet 1333, MedGen C3150546, MONDO:0013235, OMIM 613347.
Fanconi anemia complementation group D1. Also called: BRCA2-Related Fanconi Anemia. Identifiers: Orphanet 319462, MedGen C1838457, MONDO:0011584, OMIM 605724.

Submissions (3):

GeneKor MSA
Classification: Pathogenic for Hereditary breast ovarian cancer syndrome. Last evaluated: 2025-05-15. Review status: criteria provided, single submitter. Criteria: ACMG Guidelines, 2015. Collection method: clinical testing. Allele origin: germline. Affected: yes.
Comment: This is a single nucleotide deletion in exon 10 of the BRCA2 mRNA c.(1162del) causing a frameshift after codon 388 and the creation of a premature translation stop signal 11 amino acid residues later p.(Val388Tyrfs*11). This is expected to result in an absent or disrupted protein product. Truncating variants in BRCA2 are known to be pathogenic (PMID:20104584). This variant is not present in population databases and has not been reported in the literature in individuals affected with hereditary cancer. ClinVar contains an entry for this variant (VCV003638591.2). Based on the classification criteria set by the ACMG and AMP (PMID:25741868) this variant has been classified as pathogenic.

Department of Pathology and Laboratory Medicine, Sinai Health System
Classification: Pathogenic for Familial cancer of breast; Medulloblastoma; Familial prostate cancer; Wilms tumor 1; Fanconi anemia complementation group D1; Breast-ovarian cancer, familial, susceptibility to, 2; Glioma susceptibility 3; Pancreatic cancer, susceptibility to, 2. Last evaluated: 2024-08-26. Review status: criteria provided, single submitter. Criteria: ACMG Guidelines, 2015. Collection method: clinical testing. Allele origin: germline.

Labcorp Genetics (formerly Invitae), Labcorp
Classification: Pathogenic for Hereditary breast ovarian cancer syndrome. Last evaluated: 2024-04-01. Review status: criteria provided, single submitter. Criteria: Invitae Variant Classification Sherloc (09022015). Collection method: clinical testing. Allele origin: germline.
Comment: This sequence change creates a premature translational stop signal (p.Val388Tyrfs*11) in the BRCA2 gene. It is expected to result in an absent or disrupted protein product. Loss-of-function variants in BRCA2 are known to be pathogenic (PMID: 20104584). This variant is not present in population databases (gnomAD no frequency). This variant has not been reported in the literature in individuals affected with BRCA2-related conditions. For these reasons, this variant has been classified as Pathogenic.

Literature cited by the submitters: PubMed 20104584 (cited by GeneKor MSA and Labcorp Genetics (formerly Invitae), Labcorp).

NM_000059.4(BRCA2):c.1162del (p.Val388fs)

Gene: BRCA2 (BRCA2 DNA repair associated; plus strand). Cytogenetic location: 13q13.1.
Variant type: Deletion.
Coding change: c.1162del on transcript NM_000059.4 (MANE Select); coding-DNA position 1162, one base deleted (G; older notation c.1162delG).
Protein change: p.Val388fs; shifts the reading frame from valine 388.
Molecular consequence: frameshift variant. On other transcripts: non-coding transcript variant (1), intron variant (1).
Genome position (GRCh38, 1-based): chr13:32,332,640, G deleted. VCF-style (leftmost placement, unchanged base first): chr13-32332639-TG-T. GRCh37 (hg19) VCF-style: chr13-32906776-TG-T.
Other names: c.1162del (NM_000059.3); c.1162delG, p.Val388Tyrfs (NM_000059.3); c.1162del, p.Val388fs (NM_001406719.1, NM_001406720.1, NM_001406721.1 and 1 more transcripts); c.424+1610del (NM_001406722.1); short protein forms V388fs.
Identifiers: ClinVar variation 3638591 (VCV003638591.4).